The following is an entry in ClinVar:

NM_000059.4(BRCA2):c.9584_9586delinsAT (p.Thr3195fs)

Gene: BRCA2 (BRCA2 DNA repair associated; plus strand). Cytogenetic location: 13q13.1.
Variant type: Indel.
Coding change: c.9584_9586delinsAT on transcript NM_000059.4 (MANE Select); coding-DNA positions 9584 to 9586, CTA replaced by AT.
Protein change: p.Thr3195fs; shifts the reading frame from threonine 3195.
Molecular consequence: frameshift variant.
Genome position (GRCh38, 1-based): chr13:32,396,980-32,396,982, CTA replaced by AT. VCF-style: chr13-32396980-CTA-AT. GRCh37 (hg19) VCF-style: chr13-32971117-CTA-AT.
Other names: c.9584_9586delCTAinsAT (NM_000059.3); short protein forms T3195fs.
Identifiers: ClinVar variation 969748 (VCV000969748.15), dbSNP rs2073041280, ClinGen allele CA1139663197.

ClinVar aggregate classification (germline): Pathogenic/Likely pathogenic. Review status: criteria provided, multiple submitters, no conflicts (2 of 4 stars). 5 submissions from 5 submitters: Pathogenic (4); Likely pathogenic (1). Last evaluated 2024-06-17.

Conditions:
Hereditary cancer-predisposing syndrome. Also called: Neoplastic Syndromes, Hereditary; Hereditary Cancer Syndrome; Tumor predisposition; Hereditary neoplastic syndrome. Identifiers: Orphanet 140162, MedGen C0027672, MeSH D009386, MONDO:0015356.
Hereditary breast ovarian cancer syndrome. Also called: BRCA1- and BRCA2-Associated Hereditary Breast and Ovarian Cancer; Hereditary breast and ovarian cancer; Hereditary breast and ovarian cancer syndrome; Hereditary breast and/or ovarian cancer syndrome; Hereditary breast and ovarian cancer syndrome (HBOC); Breast and ovarian cancer. Identifiers: Orphanet 145, MedGen C0677776, MeSH D061325, MONDO:0003582. Disease mechanism: loss of function.
Familial cancer of breast. Also called: hereditary breast carcinoma; Hereditary breast cancer; BREAST CANCER, FAMILIAL. Identifiers: Orphanet 227535, MedGen C0346153, MONDO:0016419, OMIM 114480. Disease mechanism: loss of function.

Submissions (5):

Quest Diagnostics Nichols Institute San Juan Capistrano
Classification: Pathogenic. Last evaluated: 2024-06-17. Review status: criteria provided, single submitter. Criteria: Quest Diagnostics criteria. Collection method: clinical testing. Allele origin: unknown.
Comment: The BRCA2 c.9584_9586delinsAT (p.Thr3195Asnfs*22) variant alters the translational reading frame of the BRCA2 mRNA and causes the premature termination of BRCA2 protein synthesis. This variant has not been reported in individuals with BRCA2-related conditions in the published literature. This variant has not been reported in large, multi-ethnic general populations (Genome Aggregation Database). Based on the available information, this variant is classified as pathogenic.

Baylor Genetics
Classification: Likely pathogenic for Familial cancer of breast. Last evaluated: 2023-10-08. Review status: criteria provided, single submitter. Criteria: ACMG Guidelines, 2015. Collection method: clinical testing. Allele origin: unknown.

Ambry Genetics
Classification: Pathogenic for Hereditary cancer-predisposing syndrome. Last evaluated: 2021-03-05. Review status: criteria provided, single submitter. Criteria: Ambry Variant Classification Scheme 2023. Collection method: clinical testing. Allele origin: germline.
Comment: The c.9584_9586delCTAinsAT pathogenic mutation, located in coding exon 25 of the BRCA2 gene, results from the deletion of 3 nucleotides and insertion of two nucleotides causing a translational frameshift with a predicted alternate stop codon (p.T3195Nfs*22). This alteration occurs at the 3' terminus of theBRCA2 gene, is not expected to trigger nonsense-mediated mRNA decay, and only impacts the last 7%, 224 amino acids, of the protein. However, premature stop codons are typically deleterious in nature and the impacted region is critical for protein function (Ambry internal data). Based on the supporting evidence, this alteration is interpreted as a disease-causing mutation.

Labcorp Genetics (formerly Invitae), Labcorp
Classification: Pathogenic for Hereditary breast ovarian cancer syndrome. Last evaluated: 2020-11-22. Review status: criteria provided, single submitter. Criteria: Invitae Variant Classification Sherloc (09022015). Collection method: clinical testing. Allele origin: germline.
Comment: For these reasons, this variant has been classified as Pathogenic. This variant disrupts the C-terminus of the BRCA2 protein. Another variant that disrupt this region (p.Tyr3308*) has been determined to be pathogenic (PMID: 18593900, 18607349, 17026620, 22711857). This suggests that variants that disrupt this region of the protein are likely to be causative of disease. This variant has not been reported in the literature in individuals with BRCA2-related conditions. ClinVar contains an entry for this variant (Variation ID: 234902). This variant is not present in population databases (ExAC no frequency). This sequence change creates a premature translational stop signal (p.Thr3195Asnfs*22) in the BRCA2 gene. While this is not anticipated to result in nonsense mediated decay, it is expected to disrupt the last 224 amino acid(s) of the BRCA2 protein.

Revvity Omics, Revvity
Classification: Pathogenic. Last evaluated: 2019-10-30. Review status: criteria provided, single submitter. Criteria: ACMG Guidelines, 2015. Collection method: clinical testing. Allele origin: germline.

Literature cited by the submitters: PubMed 18593900 (cited by Labcorp Genetics (formerly Invitae), Labcorp); PubMed 18607349 (cited by Labcorp Genetics (formerly Invitae), Labcorp); PubMed 17026620 (cited by Labcorp Genetics (formerly Invitae), Labcorp); PubMed 22711857 (cited by Labcorp Genetics (formerly Invitae), Labcorp).